The following is an entry in ClinVar:

ClinVar aggregate classification (germline): Uncertain significance (1 of 4 stars; one submission).

Submission:

GeneDx
Classification: Uncertain significance. Last evaluated: 2019-04-16. Review status: criteria provided, single submitter. Criteria: GeneDx Variant Classification Process June 2021. Collection method: clinical testing. Allele origin: germline. Affected: yes.
Comment: Not observed in large population cohorts (Lek et al., 2016); In silico analysis, which includes protein predictors and evolutionary conservation, supports a deleterious effect; Has not been previously published as pathogenic or benign to our knowledge

NM_001042492.3(NF1):c.3866T>G (p.Phe1289Cys)

Gene: NF1 (neurofibromin 1; plus strand). Cytogenetic location: 17q11.2.
Variant type: single nucleotide variant.
Coding change: c.3866T>G on transcript NM_001042492.3 (MANE Select); coding-DNA position 3866, T replaced by G.
Protein change: p.Phe1289Cys; replaces phenylalanine 1289 with cysteine.
Molecular consequence: missense variant.
Genome position (GRCh38, 1-based): chr17:31,235,768, T>G. VCF-style: chr17-31235768-T-G. GRCh37 (hg19) VCF-style: chr17-29562786-T-G.
Other names: c.3866T>G, p.Phe1289Cys (NM_000267.4); short protein forms F1289C.
Identifiers: ClinVar variation 1316214 (VCV001316214.2), dbSNP rs2151438065, ClinGen allele CA398992918.